The following is an entry in ClinVar:

ClinVar aggregate classification (germline): Uncertain significance (1 of 4 stars; one submission).

Conditions:
Cardiovascular phenotype. Identifiers: MedGen CN230736.

Submission:

Ambry Genetics
Classification: Uncertain significance for Cardiovascular phenotype. Last evaluated: 2023-08-29. Review status: criteria provided, single submitter. Criteria: Ambry Variant Classification Scheme 2023. Collection method: clinical testing. Allele origin: germline.
Comment: The p.L906P variant (also known as c.2717T>C), located in coding exon 18 of the TRPM4 gene, results from a T to C substitution at nucleotide position 2717. The leucine at codon 906 is replaced by proline, an amino acid with similar properties. This amino acid position is conserved. In addition, this alteration is predicted to be deleterious by in silico analysis. Since supporting evidence is limited at this time, the clinical significance of this alteration remains unclear.

NM_017636.4(TRPM4):c.2717T>C (p.Leu906Pro)

Gene: TRPM4 (transient receptor potential cation channel subfamily M member 4; plus strand). Cytogenetic location: 19q13.33.
Variant type: single nucleotide variant.
Coding change: c.2717T>C on transcript NM_017636.4 (MANE Select); coding-DNA position 2717, T replaced by C.
Protein change: p.Leu906Pro; replaces leucine 906 with proline.
Molecular consequence: missense variant.
Genome position (GRCh38, 1-based): chr19:49,200,371, T>C. VCF-style: chr19-49200371-T-C. GRCh37 (hg19) VCF-style: chr19-49703628-T-C.
Other names: c.2282T>C, p.Leu761Pro (NM_001195227.2); c.2372T>C, p.Leu791Pro (NM_001321281.2); c.1109T>C, p.Leu370Pro (NM_001321282.2); c.2195T>C, p.Leu732Pro (NM_001321283.2); c.1655T>C, p.Leu552Pro (NM_001321285.2); short protein forms L370P, L906P, L732P, L761P, L791P, L552P.
Identifiers: ClinVar variation 1795124 (VCV001795124.3), dbSNP rs2514200631, ClinGen allele CA406810358.